The following is an entry in ClinVar:

NM_024408.4(NOTCH2):c.2365G>A (p.Gly789Ser)

Gene: NOTCH2 (notch receptor 2; minus strand). Cytogenetic location: 1p12.
Variant type: single nucleotide variant.
Coding change: c.2365G>A on transcript NM_024408.4 (MANE Select); coding-DNA position 2365, G replaced by A.
Protein change: p.Gly789Ser; replaces glycine 789 with serine.
Molecular consequence: missense variant.
Genome position (GRCh38, 1-based): chr1:119,953,543, C>T on the plus strand (G>A on the coding strand, the complement: NOTCH2 is on the minus strand). VCF-style: chr1-119953543-C-T. GRCh37 (hg19) VCF-style: chr1-120496166-C-T.
Other names: c.2365G>A, p.Gly789Ser (NM_001200001.2); short protein forms G789S.
Identifiers: ClinVar variation 1699130 (VCV001699130.6), dbSNP rs2101122120, ClinGen allele CA341863598.

ClinVar aggregate classification (germline): Uncertain significance. Review status: criteria provided, multiple submitters, no conflicts (2 of 4 stars). 2 submissions from 2 submitters: Uncertain significance (2). Last evaluated 2025-10-09.

Conditions:
Alagille syndrome due to a NOTCH2 point mutation. Also called: Alagille syndrome 2. Identifiers: Orphanet 261629, Orphanet 52, MedGen C1857761, MONDO:0012439, OMIM 610205.

Submissions (2):

Victorian Clinical Genetics Services, Murdoch Childrens Research Institute
Classification: Uncertain significance for Alagille syndrome due to a NOTCH2 point mutation. Last evaluated: 2025-10-09. Review status: criteria provided, single submitter. Criteria: ACMG Guidelines, 2015. Collection method: clinical testing. Allele origin: germline. Affected: yes.
Comment: This variant is classified as VUS-3A. Evidence in support of pathogenic classification: Variant is absent from gnomAD (v2, v3 and v4); Missense variant predicted to be damaging by in silico tool(s) or highly conserved with a major amino acid change. In addition, abnormal splicing is predicted by an in silico tool and the affected nucleotide is highly conserved. Additional information: Variant is predicted to result in a missense amino acid change from Gly to Ser. This variant also affects the last nucleotide of exon 14, however, no studies have been performed to determine if splicing is altered; This variant is heterozygous; This gene is associated with autosomal dominant disease; This variant has no previous evidence of pathogenicity; No published evidence of segregation with disease has been identified for this variant; No published functional evidence has been identified for this variant; No comparable missense variants have previous evidence for pathogenicity; Variant is located in the annotated EGF-like domain (DECIPHER); Loss of function and gain of function are known mechanisms of disease in this gene and are associated with Alagille syndrome 2 (MIM#610205), and Hajdu-Cheney syndrome (MIM#102500), respectively. Missense variants and those predicted to result in nonsense-mediated decay, have been associated with Alagille syndrome 2, whereas truncating variants in the last exon have been known to cause Hajdu-Cheney syndrome (OMIM, PMID: 28941602); Variants in this gene are known to have variable expressivity (PMID:22209762).

Blueprint Genetics
Classification: Uncertain significance. Last evaluated: 2022-10-11. Review status: criteria provided, single submitter. Criteria: ACMG Guidelines, 2015. Collection method: clinical testing. Allele origin: germline.

Literature cited by the submitters: PubMed 22209762 (cited by Victorian Clinical Genetics Services, Murdoch Childrens Research Institute); PubMed 28941602 (cited by Victorian Clinical Genetics Services, Murdoch Childrens Research Institute).